The following is an entry in ClinVar:

ClinVar aggregate classification (germline): Pathogenic (1 of 4 stars; one submission).

Conditions:
Jeune thoracic dystrophy. Also called: Jeune syndrome; Infantile thoracic dystrophy; Thoracic pelvic phalangeal dystrophy; Jeune's syndrome; Chondroectodermal dysplasia-like syndrome; Short-rib thoracic dysplasia. Identifiers: Orphanet 474, MedGen C0265275, MONDO:0018770.

Submission:

Labcorp Genetics (formerly Invitae), Labcorp
Classification: Pathogenic for Jeune thoracic dystrophy. Last evaluated: 2025-01-17. Review status: criteria provided, single submitter. Criteria: Invitae Variant Classification Sherloc (09022015). Collection method: clinical testing. Allele origin: germline.
Comment: This sequence change creates a premature translational stop signal (p.Lys2836*) in the DYNC2H1 gene. It is expected to result in an absent or disrupted protein product. Loss-of-function variants in DYNC2H1 are known to be pathogenic (PMID: 23339108, 32753734, 33755199). This variant is not present in population databases (gnomAD no frequency). This variant has not been reported in the literature in individuals affected with DYNC2H1-related conditions. For these reasons, this variant has been classified as Pathogenic.

Literature cited by the submitters: PubMed 23339108; PubMed 32753734; PubMed 33755199.

NM_001377.3(DYNC2H1):c.8505dup (p.Lys2836Ter)

Gene: DYNC2H1 (dynein cytoplasmic 2 heavy chain 1; plus strand). Cytogenetic location: 11q22.3.
Variant type: Duplication.
Coding change: c.8505dup on transcript NM_001377.3 (MANE Select); coding-DNA position 8505, one base duplicated (T; older notation c.8505dupT).
Protein change: p.Lys2836Ter; replaces lysine 2836 with a stop codon.
Molecular consequence: nonsense.
Genome position (GRCh38, 1-based): chr11:103,209,926, T duplicated. VCF-style (leftmost placement, unchanged base first): chr11-103209925-A-AT. GRCh37 (hg19) VCF-style: chr11-103080654-A-AT.
Other names: c.8505dup, p.Lys2836Ter (NM_001080463.2); short protein forms K2836*.
Identifiers: ClinVar variation 3729109 (VCV003729109.2).